The following is an entry in ClinVar:

ClinVar aggregate classification (germline): Uncertain significance (1 of 4 stars; one submission).

Conditions:
Neurodevelopmental disorder and structural brain anomalies with or without seizures and spasticity. Identifiers: MedGen C5394423, MONDO:0030046, OMIM 618890.

Submission:

3billion
Classification: Uncertain significance for Neurodevelopmental disorder and structural brain anomalies with or without seizures and spasticity. Last evaluated: 2025-09-30. Review status: criteria provided, single submitter. Criteria: ACMG Guidelines, 2015. Collection method: clinical testing. Allele origin: germline. Affected: yes.
Comment: The variant is not observed in the gnomAD v4.1.0 dataset. Predicted Consequence/Location: Intron variant In silico tools predict the variant to alter splicing and produce an abnormal transcript [SpliceAI: 0.30 (spliceogenicity >=0.2, non-spliceogenicity <0.1)]. Therefore, this variant is classified as VUS according to the recommendation of ACMG/AMP guideline.

NM_015466.4(PTPN23):c.4179-9T>G

Gene: PTPN23 (protein tyrosine phosphatase non-receptor type 23; plus strand). Cytogenetic location: 3p21.31.
Variant type: single nucleotide variant.
Coding change: c.4179-9T>G on transcript NM_015466.4 (MANE Select); 9 bases into the intron before coding-DNA position 4179, T replaced by G.
Molecular consequence: intron variant.
Genome position (GRCh38, 1-based): chr3:47,412,274, T>G. VCF-style: chr3-47412274-T-G. GRCh37 (hg19) VCF-style: chr3-47453764-T-G.
Other names: c.3801-9T>G (NM_001304482.2).
Identifiers: ClinVar variation 4853979 (VCV004853979.1).